The following is an entry in ClinVar:

NM_000136.3(FANCC):c.873C>A (p.Phe291Leu)

Genes: AOPEP (aminopeptidase O (putative); plus strand), FANCC (FA complementation group C; minus strand). Cytogenetic location: 9q22.32.
Variant type: single nucleotide variant.
Coding change: c.873C>A on transcript NM_000136.3 (MANE Select); coding-DNA position 873, C replaced by A.
Protein change: p.Phe291Leu; replaces phenylalanine 291 with leucine.
Molecular consequence: missense variant.
Genome position (GRCh38, 1-based): chr9:95,126,552, G>T on the plus strand (C>A on the coding strand, the complement: FANCC is on the minus strand). VCF-style: chr9-95126552-G-T. GRCh37 (hg19) VCF-style: chr9-97888834-G-T.
Other names: c.873C>A, p.Phe291Leu (NM_001243743.2, NM_001243744.2); short protein forms F291L.
Identifiers: ClinVar variation 4694487 (VCV004694487.1).

ClinVar aggregate classification (germline): Uncertain significance (1 of 4 stars; one submission).

Conditions:
Fanconi anemia (FA). Also called: Fanconi's anemia. Identifiers: Orphanet 84, MedGen C0015625, MeSH D005199, MONDO:0019391.

gnomAD v4.1: 1 of 1,614,086 alleles (0.000062%); highest among the groups gnomAD compares: Non-Finnish European, 0.000085%; no homozygotes.

Submission:

Labcorp Genetics (formerly Invitae), Labcorp
Classification: Uncertain significance for Fanconi anemia. Last evaluated: 2025-11-09. Review status: criteria provided, single submitter. Criteria: Invitae Variant Classification Sherloc (09022015). Collection method: clinical testing. Allele origin: germline.
Comment: This sequence change replaces phenylalanine, which is neutral and non-polar, with leucine, which is neutral and non-polar, at codon 291 of the FANCC protein (p.Phe291Leu). This variant is not present in population databases (gnomAD no frequency). This variant has not been reported in the literature in individuals affected with FANCC-related conditions. Invitae Evidence Modeling of protein sequence and biophysical properties (such as structural, functional, and spatial information, amino acid conservation, physicochemical variation, residue mobility, and thermodynamic stability) indicates that this missense variant is expected to disrupt FANCC protein function with a positive predictive value of 80%. In summary, the available evidence is currently insufficient to determine the role of this variant in disease. Therefore, it has been classified as a Variant of Uncertain Significance.